The following is an entry in ClinVar:

NM_006231.4(POLE):c.4978C>G (p.Leu1660Val)

Gene: POLE (DNA polymerase epsilon, catalytic subunit; minus strand). Cytogenetic location: 12q24.33.
Variant type: single nucleotide variant.
Coding change: c.4978C>G on transcript NM_006231.4 (MANE Select); coding-DNA position 4978, C replaced by G.
Protein change: p.Leu1660Val; replaces leucine 1660 with valine.
Molecular consequence: missense variant.
Genome position (GRCh38, 1-based): chr12:132,642,372, G>C on the plus strand (C>G on the coding strand, the complement: POLE is on the minus strand). VCF-style: chr12-132642372-G-C. GRCh37 (hg19) VCF-style: chr12-133218958-G-C.
Other names: c.4978C>G (NM_006231.2); short protein forms L1660V.
Identifiers: ClinVar variation 1520413 (VCV001520413.8), dbSNP rs2138531866, ClinGen allele CA387377585.

ClinVar aggregate classification (germline): Uncertain significance. Review status: criteria provided, multiple submitters, no conflicts (2 of 4 stars). 3 submissions from 3 submitters: Uncertain significance (3). Last evaluated 2024-12-14.

Conditions:
Hereditary cancer-predisposing syndrome. Also called: Hereditary neoplastic syndrome; Hereditary Cancer Syndrome; Tumor predisposition; Neoplastic Syndromes, Hereditary. Identifiers: Orphanet 140162, MedGen C0027672, MeSH D009386, MONDO:0015356.

Allele frequency attached by ClinVar (database versions not stated): gnomAD exomes below 0.00001.
gnomAD v4.1: 1 of 1,579,426 alleles (0.000063%); highest among the groups gnomAD compares: African/African-American, 0.0013%; no homozygotes.

Submissions (3):

Ambry Genetics
Classification: Uncertain significance for Hereditary cancer-predisposing syndrome. Last evaluated: 2024-12-14. Review status: criteria provided, single submitter. Criteria: Ambry Variant Classification Scheme 2023. Collection method: clinical testing. Allele origin: germline.
Comment: The p.L1660V variant (also known as c.4978C>G), located in coding exon 38 of the POLE gene, results from a C to G substitution at nucleotide position 4978. The leucine at codon 1660 is replaced by valine, an amino acid with highly similar properties. This amino acid position is conserved. In addition, the in silico prediction for this alteration is inconclusive. Based on the available evidence, the clinical significance of this variant remains unclear.

Labcorp Genetics (formerly Invitae), Labcorp
Classification: Uncertain significance. Last evaluated: 2023-12-22. Review status: criteria provided, single submitter. Criteria: Invitae Variant Classification Sherloc (09022015). Collection method: clinical testing. Allele origin: germline.
Comment: This sequence change replaces leucine, which is neutral and non-polar, with valine, which is neutral and non-polar, at codon 1660 of the POLE protein (p.Leu1660Val). This variant is not present in population databases (gnomAD no frequency). This variant has not been reported in the literature in individuals affected with POLE-related conditions. ClinVar contains an entry for this variant (Variation ID: 1520413). Advanced modeling of protein sequence and biophysical properties (such as structural, functional, and spatial information, amino acid conservation, physicochemical variation, residue mobility, and thermodynamic stability) performed at Invitae indicates that this missense variant is not expected to disrupt POLE protein function with a negative predictive value of 80%. In summary, the available evidence is currently insufficient to determine the role of this variant in disease. Therefore, it has been classified as a Variant of Uncertain Significance.

GeneDx
Classification: Uncertain significance. Last evaluated: 2023-11-22. Review status: criteria provided, single submitter. Criteria: GeneDx Variant Classification Process June 2021. Collection method: clinical testing. Allele origin: germline. Affected: yes.
Comment: Not observed at significant frequency in large population cohorts (gnomAD); In silico analysis supports that this missense variant does not alter protein structure/function; Has not been previously published as pathogenic or benign to our knowledge